The following is an entry in ClinVar:

NM_003036.4(SKI):c.1861G>C (p.Ala621Pro)

Gene: SKI (SKI proto-oncogene; plus strand). Cytogenetic location: 1p36.32.
Variant type: single nucleotide variant.
Coding change: c.1861G>C on transcript NM_003036.4 (MANE Select); coding-DNA position 1861, G replaced by C.
Protein change: p.Ala621Pro; replaces alanine 621 with proline.
Molecular consequence: missense variant.
Genome position (GRCh38, 1-based): chr1:2,306,113, G>C. VCF-style: chr1-2306113-G-C. GRCh37 (hg19) VCF-style: chr1-2237552-G-C.
Other names: short protein forms A621P.
Identifiers: ClinVar variation 4799800 (VCV004799800.1).
Genomic context (GRCh38, chr1:2,306,113, plus strand): 5'-AAGCTGCGGGAGGCCACGGAGGCCAAGCGTAACCTGCGGAAGGAGATCGAGCGTCTCCGC[G>C]CCGAGAACGAGAAGAAGATGAAAGAGGCCAACGAGTCACGGCTGCGCCTGAAGCGGGAGC-3'
Protein context (NP_003027.1, residues 611-631): NLRKEIERLR[Ala621Pro]ENEKKMKEAN

ClinVar aggregate classification (germline): Uncertain significance (1 of 4 stars; one submission).

Conditions:
Shprintzen-Goldberg syndrome (SGS). Also called: Marfanoid disorder with craniosynostosis type 1; Marfanoid craniosynostosis syndrome; Shprintzen-Goldberg marfanoid syndrome; SHPRINTZEN-GOLDBERG CRANIOSYNOSTOSIS SYNDROME; CRANIOSYNOSTOSIS WITH ARACHNODACTYLY AND ABDOMINAL HERNIAS. Identifiers: Orphanet 2462, MedGen C1321551, MONDO:0008426, OMIM 182212.

gnomAD v4.1: 1 of 1,598,990 alleles (0.000063%); highest among the groups gnomAD compares: Admixed American, 0.0017%; no homozygotes.

Submission:

Labcorp Genetics (formerly Invitae), Labcorp
Classification: Uncertain significance for Shprintzen-Goldberg syndrome. Last evaluated: 2025-12-10. Review status: criteria provided, single submitter. Criteria: Invitae Variant Classification Sherloc (09022015). Collection method: clinical testing. Allele origin: germline.
Comment: This sequence change replaces alanine, which is neutral and non-polar, with proline, which is neutral and non-polar, at codon 621 of the SKI protein (p.Ala621Pro). This variant is not present in population databases (gnomAD no frequency). This variant has not been reported in the literature in individuals affected with SKI-related conditions. Invitae Evidence Modeling of protein sequence and biophysical properties (such as structural, functional, and spatial information, amino acid conservation, physicochemical variation, residue mobility, and thermodynamic stability) has been performed for this missense variant. However, the output from this modeling did not meet the statistical confidence thresholds required to predict the impact of this variant on SKI protein function. In summary, the available evidence is currently insufficient to determine the role of this variant in disease. Therefore, it has been classified as a Variant of Uncertain Significance.